The following is an entry in ClinVar:

ClinVar aggregate classification (germline): Pathogenic (1 of 4 stars; one submission).

Conditions:
Fanconi anemia (FA). Also called: Fanconi's anemia. Identifiers: Orphanet 84, MedGen C0015625, MeSH D005199, MONDO:0019391.

Submission:

Labcorp Genetics (formerly Invitae), Labcorp
Classification: Pathogenic for Fanconi anemia. Last evaluated: 2022-07-12. Review status: criteria provided, single submitter. Criteria: Invitae Variant Classification Sherloc (09022015). Collection method: clinical testing. Allele origin: germline.
Comment: This sequence change creates a premature translational stop signal (p.Val1486Phefs*19) in the FANCM gene. It is expected to result in an absent or disrupted protein product. Loss-of-function variants in FANCM are known to be pathogenic (PMID: 29895858, 30075111). This variant is not present in population databases (gnomAD no frequency). This variant has not been reported in the literature in individuals affected with FANCM-related conditions. ClinVar contains an entry for this variant (Variation ID: 1074687). Algorithms developed to predict the effect of sequence changes on RNA splicing suggest that this variant may create or strengthen a splice site. For these reasons, this variant has been classified as Pathogenic.

Literature cited by the submitters: PubMed 29895858; PubMed 30075111.

NM_020937.4(FANCM):c.4456del (p.Val1486fs)

Gene: FANCM (FA complementation group M; plus strand). Cytogenetic location: 14q21.2.
Variant type: Deletion.
Coding change: c.4456del on transcript NM_020937.4 (MANE Select); coding-DNA position 4456, one base deleted (G; older notation c.4456delG).
Protein change: p.Val1486fs; shifts the reading frame from valine 1486.
Molecular consequence: frameshift variant.
Genome position (GRCh38, 1-based): chr14:45,183,843, G deleted; the last of 2 consecutive G bases (chr14:45,183,842-45,183,843); deleting either gives the same sequence. VCF-style (leftmost placement, unchanged base first): chr14-45183841-AG-A. GRCh37 (hg19) VCF-style: chr14-45653044-AG-A.
Other names: c.4378del, p.Val1460fs (NM_001308133.2); short protein forms V1460fs, V1486fs.
Identifiers: ClinVar variation 1074687 (VCV001074687.7), dbSNP rs1478392446, ClinGen allele CA706081067.